The following is an entry in ClinVar:

ClinVar aggregate classification (germline): Pathogenic (1 of 4 stars; one submission).

Conditions:
Familial adenomatous polyposis 1 (FAP1). Also called: POLYPOSIS, ADENOMATOUS INTESTINAL; FAMILIAL ADENOMATOUS POLYPOSIS 1, ATTENUATED. Identifiers: MedGen C2713442, MONDO:0021056, OMIM 175100. Disease mechanism: loss of function.

Submission:

Myriad Genetics, Inc.
Classification: Pathogenic for Familial adenomatous polyposis 1. Last evaluated: 2023-05-16. Review status: criteria provided, single submitter. Criteria: Myriad Autosomal Dominant, Autosomal Recessive and X-Linked Classification Criteria (2023). Collection method: clinical testing. Allele origin: unknown.
Comment: This variant is considered pathogenic. This variant creates a frameshift predicted to result in premature protein truncation.

NM_000038.6(APC):c.7472del (p.Met2491fs)

Gene: APC (APC regulator of Wnt signaling pathway; plus strand). Cytogenetic location: 5q22.2.
Variant type: Deletion.
Coding change: c.7472del on transcript NM_000038.6 (MANE Select); coding-DNA position 7472, one base deleted (T; older notation c.7472delT).
Protein change: p.Met2491fs; shifts the reading frame from methionine 2491.
Molecular consequence: frameshift variant. On other transcripts: non-coding transcript variant (2).
Genome position (GRCh38, 1-based): chr5:112,843,066, T deleted. VCF-style (leftmost placement, unchanged base first): chr5-112843065-AT-A. GRCh37 (hg19) VCF-style: chr5-112178762-AT-A.
Other names: c.7472del, p.Met2491fs (NM_001127510.3, NM_001354895.2, NM_001407450.1); c.7418del, p.Met2473fs (NM_001127511.3); c.7526del, p.Met2509fs (NM_001354896.2, NM_001407447.1, NM_001407448.1 and 1 more transcripts); c.7502del, p.Met2501fs (NM_001354897.2); c.7397del, p.Met2466fs (NM_001354898.2); c.7388del, p.Met2463fs (NM_001354899.2); c.7349del, p.Met2450fs (NM_001354900.2); c.7295del, p.Met2432fs (NM_001354901.2, NM_001407453.1); and 11 more; short protein forms M2107fs, M2208fs, M2331fs, M2362fs, M2365fs, M2390fs, M2400fs, M2408fs.
Identifiers: ClinVar variation 2583257 (VCV002583257.1), dbSNP rs2533795747, ClinGen allele CA2582341626.